The following is an entry in ClinVar:

ClinVar aggregate classification (germline): Uncertain significance (1 of 4 stars; one submission).

Submission:

Labcorp Genetics (formerly Invitae), Labcorp
Classification: Uncertain significance. Last evaluated: 2023-07-31. Review status: criteria provided, single submitter. Criteria: Invitae Variant Classification Sherloc (09022015). Collection method: clinical testing. Allele origin: germline.
Comment: This sequence change affects a splice site in intron 6 of the MATN3 gene. It is expected to disrupt RNA splicing. Variants that disrupt the donor or acceptor splice site typically lead to a loss of protein function (PMID: 16199547), however the current clinical and genetic evidence is not sufficient to establish whether loss-of-function variants in MATN3 cause disease. In summary, the available evidence is currently insufficient to determine the role of this variant in disease. Therefore, it has been classified as a Variant of Uncertain Significance. Algorithms developed to predict the effect of sequence changes on RNA splicing suggest that this variant may disrupt the consensus splice site. This variant has not been reported in the literature in individuals affected with MATN3-related conditions. This variant is not present in population databases (gnomAD no frequency).

Literature cited by the submitters: PubMed 16199547.

NM_002381.5(MATN3):c.1294+1_1294+11del

Genes: WDR35-DT (WDR35 divergent transcript; plus strand), MATN3 (matrilin 3; minus strand). Cytogenetic location: 2p24.1.
Variant type: Deletion.
Coding change: c.1294+1_1294+11del on transcript NM_002381.5 (MANE Select); the canonical splice donor site of the intron after coding-DNA position 1294 through 11 bases into the intron after coding-DNA position 1294, 11 bases deleted (GTGAGGATCAG).
Molecular consequence: splice donor variant.
Genome position (GRCh38, 1-based): chr2:19,997,123-19,997,133, CTGATCCTCAC deleted on the plus strand (GTGAGGATCAG on the coding strand, the reverse complement: MATN3 is on the minus strand); deleting any 11 consecutive bases within chr2:19,997,123-19,997,137 gives the same sequence; the c. name uses the placement nearest the transcript's 3' end. VCF-style (leftmost placement, unchanged base first): chr2-19997122-GCTGATCCTCAC-G. GRCh37 (hg19) VCF-style: chr2-20196883-GCTGATCCTCAC-G.
Identifiers: ClinVar variation 2982003 (VCV002982003.3), dbSNP rs1253333692, ClinGen allele CA763238116.